The following is an entry in ClinVar:

NM_000264.5(PTCH1):c.235C>G (p.Leu79Val)

Gene: PTCH1 (patched 1; minus strand). Cytogenetic location: 9q22.32.
Variant type: single nucleotide variant.
Coding change: c.235C>G on transcript NM_000264.5 (MANE Select); coding-DNA position 235, C replaced by G.
Protein change: p.Leu79Val; replaces leucine 79 with valine.
Molecular consequence: missense variant. On other transcripts: 5 prime UTR variant (4), non-coding transcript variant (1).
Genome position (GRCh38, 1-based): chr9:95,506,566, G>C on the plus strand (C>G on the coding strand, the complement: PTCH1 is on the minus strand). VCF-style: chr9-95506566-G-C. GRCh37 (hg19) VCF-style: chr9-98268848-G-C.
Other names: c.37C>G, p.Leu13Val (NM_001083602.3, NM_001354919.2); c.232C>G, p.Leu78Val (NM_001083603.3); c.-219C>G (NM_001083604.3, NM_001083605.3, NM_001083606.3 and 1 more transcripts); c.235C>G, p.Leu79Val (NM_001354918.2); short protein forms L79V, L13V, L78V.
Identifiers: ClinVar variation 2744307 (VCV002744307.3), dbSNP rs1564088372, ClinGen allele CA374120625.

ClinVar aggregate classification (germline): Uncertain significance (1 of 4 stars; one submission).

Conditions:
Gorlin syndrome. Also called: Basal cell nevus syndrome; Nevoid Basal Cell Carcinoma Syndrome. Identifiers: Orphanet 377, MedGen C0004779, MONDO:0007187.

Submission:

Labcorp Genetics (formerly Invitae), Labcorp
Classification: Uncertain significance for Gorlin syndrome. Last evaluated: 2023-05-28. Review status: criteria provided, single submitter. Criteria: Invitae Variant Classification Sherloc (09022015). Collection method: clinical testing. Allele origin: germline.
Comment: In summary, the available evidence is currently insufficient to determine the role of this variant in disease. Therefore, it has been classified as a Variant of Uncertain Significance. Advanced modeling of protein sequence and biophysical properties (such as structural, functional, and spatial information, amino acid conservation, physicochemical variation, residue mobility, and thermodynamic stability) performed at Invitae indicates that this missense variant is not expected to disrupt PTCH1 protein function. This variant has not been reported in the literature in individuals affected with PTCH1-related conditions. This variant is not present in population databases (gnomAD no frequency). This sequence change replaces leucine, which is neutral and non-polar, with valine, which is neutral and non-polar, at codon 79 of the PTCH1 protein (p.Leu79Val).